The following is an entry in ClinVar:

NM_005529.7(HSPG2):c.9329-7C>T

Gene: HSPG2 (heparan sulfate proteoglycan 2; minus strand). Cytogenetic location: 1p36.12.
Variant type: single nucleotide variant.
Coding change: c.9329-7C>T on transcript NM_005529.7 (MANE Select); 7 bases into the intron before coding-DNA position 9329, C replaced by T.
Molecular consequence: intron variant.
Genome position (GRCh38, 1-based): chr1:21,841,292, G>A on the plus strand (C>T on the coding strand, the complement: HSPG2 is on the minus strand). VCF-style: chr1-21841292-G-A. GRCh37 (hg19) VCF-style: chr1-22167785-G-A.
Other names: c.9332-7C>T (NM_001291860.2).
Identifiers: ClinVar variation 295760 (VCV000295760.9), dbSNP rs2270695, ClinGen allele CA670472.

ClinVar aggregate classification (germline): Benign/Likely benign. Review status: criteria provided, multiple submitters, no conflicts (2 of 4 stars). 5 submissions from 4 submitters: Benign (4); Likely benign (1). Last evaluated 2024-11-21.

Conditions:
Schwartz-Jampel syndrome. Also called: Myotonic myopathy dwarfism chondrodystrophy and ocular and facial abnormalities. Identifiers: Orphanet 800, MedGen C0036391, MONDO:0009717.
Lethal Kniest-like syndrome (DDSH). Also called: Dyssegmental Dysplasia. Identifiers: Orphanet 1865, MedGen C1857100, MONDO:0009140, OMIM 224410.

Allele frequency attached by ClinVar (database versions not stated): ESP Exome Variant Server 0.00815; gnomAD exomes 0.01460 and 0.03400; gnomAD 0.01525 and 0.01869; TOPMed 0.02105; ExAC 0.03330; 1000 Genomes Project 30x 0.05450; 1000 Genomes Project 0.05731.
gnomAD v4.1: 24,715 of 1,613,332 alleles (1.5%); highest among the groups gnomAD compares: East Asian, 18%; 1,100 homozygotes.

Submissions (5):

Blueprint Genetics
Classification: Likely benign. Last evaluated: 2024-11-21. Review status: criteria provided, single submitter. Criteria: ACMG Guidelines, 2015. Collection method: clinical testing. Allele origin: germline.

GeneDx
Classification: Benign. Last evaluated: 2018-09-20. Review status: criteria provided, single submitter. Criteria: GeneDx Variant Classification Process June 2021. Collection method: clinical testing. Allele origin: germline. Affected: yes.

Illumina Laboratory Services, Illumina
Classification: Benign for Lethal Kniest-like syndrome. Last evaluated: 2018-01-13. Review status: criteria provided, single submitter. Criteria: ICSL Variant Classification Criteria 13 December 2019. Collection method: clinical testing. Allele origin: germline.
Comment: This variant was observed in the ICSL laboratory as part of a predisposition screen in an ostensibly healthy population. It had not been previously curated by ICSL or reported in the Human Gene Mutation Database (HGMD: prior to June 1st, 2018), and was therefore a candidate for classification through an automated scoring system. Utilizing variant allele frequency, disease prevalence and penetrance estimates, and inheritance mode, an automated score was calculated to assess if this variant is too frequent to cause the disease. Based on the score and internal cut-off values, a variant classified as benign is not then subjected to further curation. The score for this variant resulted in a classification of benign for this disease.

Illumina Laboratory Services, Illumina
Classification: Benign for Schwartz-Jampel syndrome type 1. Last evaluated: 2018-01-13. Review status: criteria provided, single submitter. Criteria: ICSL Variant Classification Criteria 13 December 2019. Collection method: clinical testing. Allele origin: germline.
Comment: the same text as in the submission from Illumina Laboratory Services, Illumina above.

Breakthrough Genomics
Classification: Benign. Review status: criteria provided, single submitter. Criteria: ACMG Guidelines, 2015. Collection method: not provided. Allele origin: germline. Inheritance: Autosomal recessive inheritance. Affected: yes.